The following is an entry in ClinVar:

ClinVar aggregate classification (germline): Likely benign. Review status: criteria provided, multiple submitters, no conflicts (2 of 4 stars). 2 submissions from 2 submitters: Likely benign (2). Last evaluated 2024-09-11.

Allele frequency attached by ClinVar (database versions not stated): TOPMed 0.00018; gnomAD 0.00021; ESP Exome Variant Server 0.00023; 1000 Genomes Project 0.00040; 1000 Genomes Project 30x 0.00047.
gnomAD v4.1: 424 of 1,613,708 alleles (0.026%); highest among the groups gnomAD compares: Middle Eastern, 0.033%; 2 homozygotes.

Submissions (2):

Blueprint Genetics
Classification: Likely benign. Last evaluated: 2024-09-11. Review status: criteria provided, single submitter. Criteria: ACMG Guidelines, 2015. Collection method: clinical testing. Allele origin: germline.

CeGaT Center for Human Genetics Tuebingen
Classification: Likely benign. Last evaluated: 2022-06-01. Review status: criteria provided, single submitter. Criteria: CeGaT Center For Human Genetics Tuebingen Variant Classification Criteria Version 2. Collection method: clinical testing. Allele origin: germline. Affected: yes. Observed: 1 variant allele.
Comment: FLG: BP4, BP7

NM_002016.2(FLG):c.9774C>T (p.His3258=)

Genes: CCDST (cervical cancer associated DHX9 suppressive transcript; plus strand), FLG (filaggrin; minus strand). Cytogenetic location: 1q21.3.
Variant type: single nucleotide variant.
Coding change: c.9774C>T on transcript NM_002016.2 (MANE Select); coding-DNA position 9774, C replaced by T.
Protein change: p.His3258=; no amino-acid change (histidine 3258 retained).
Molecular consequence: synonymous variant.
Genome position (GRCh38, 1-based): chr1:152,305,112, G>A on the plus strand (C>T on the coding strand, the complement: FLG is on the minus strand). VCF-style: chr1-152305112-G-A. GRCh37 (hg19) VCF-style: chr1-152277588-G-A.
Identifiers: ClinVar variation 2639246 (VCV002639246.25), dbSNP rs144444327, ClinGen allele CA1103686.